The following is an entry in ClinVar:

NM_031475.3(ESPN):c.390C>G (p.Asp130Glu)

Gene: ESPN (espin; plus strand). Cytogenetic location: 1p36.31.
Variant type: single nucleotide variant.
Coding change: c.390C>G on transcript NM_031475.3 (MANE Select); coding-DNA position 390, C replaced by G.
Protein change: p.Asp130Glu; replaces aspartic acid 130 with glutamic acid.
Molecular consequence: missense variant.
Genome position (GRCh38, 1-based): chr1:6,428,321, C>G. VCF-style: chr1-6428321-C-G. GRCh37 (hg19) VCF-style: chr1-6488381-C-G.
Other names: c.390C>G, p.Asp130Glu (NM_001367473.1, NM_001367474.1); short protein forms D130E.
Identifiers: ClinVar variation 2219197 (VCV002219197.3), dbSNP rs112712922, ClinGen allele CA559875.

ClinVar aggregate classification (germline): Uncertain significance. Review status: criteria provided, multiple submitters, no conflicts (2 of 4 stars). 2 submissions from 2 submitters: Uncertain significance (2). Last evaluated 2026-06-25.

Conditions:
ESPN-related disorder. Also called: ESPN-related condition.
Inborn genetic diseases. Identifiers: MedGen C0950123, MeSH D030342.

Allele frequency attached by ClinVar (database versions not stated): ESP Exome Variant Server 0.00008.

Submissions (2):

PreventionGenetics, part of Exact Sciences
Classification: Uncertain significance for ESPN-related condition. Last evaluated: 2026-06-25. Review status: criteria provided, single submitter. Criteria: ACMG Guidelines, 2015. Collection method: clinical testing. Allele origin: germline.
Comment: The ESPN c.390C>G variant is predicted to result in the amino acid substitution p.Asp130Glu. To our knowledge, this variant has not been reported in the literature or in a large population database (gnomAD), indicating this variant is rare. At this time, the clinical significance of this variant is uncertain due to the absence of conclusive functional and genetic evidence.

Ambry Genetics
Classification: Uncertain significance for Inborn genetic diseases. Last evaluated: 2022-12-06. Review status: criteria provided, single submitter. Criteria: Ambry Variant Classification Scheme 2023. Collection method: clinical testing. Allele origin: germline.